The following is an entry in ClinVar:

ClinVar aggregate classification (germline): Conflicting classifications of pathogenicity. Review status: criteria provided, conflicting classifications (1 of 4 stars). 3 submissions from 3 submitters: Uncertain significance (2); Likely benign (1). Last evaluated 2025-11-22.

Conditions:
Arrhythmogenic cardiomyopathy with wooly hair and keratoderma. Also called: PALMOPLANTAR KERATODERMA WITH LEFT VENTRICULAR CARDIOMYOPATHY AND WOOLLY HAIR; Carvajal syndrome; Dilated cardiomyopathy with woolly hair and keratoderma; Arrhythmogenic cardiomyopathy with woolly hair and keratoderma. Identifiers: Orphanet 65282, MedGen C1854063, MONDO:0011581, OMIM 605676.
Arrhythmogenic right ventricular dysplasia 8 (ARVD8). Also called: ARRHYTHMOGENIC RIGHT VENTRICULAR DYSPLASIA, FAMILIAL, 8; ARRHYTHMOGENIC RIGHT VENTRICULAR CARDIOMYOPATHY 8; Arrhythmogenic Right Ventricular Dysplasia/Cardiomyopathy 8. Identifiers: MedGen C1843896, MONDO:0011831, OMIM 607450.
Cardiomyopathy (CMYO). Also called: Cardiomyopathies. Identifiers: Orphanet 167848, MedGen C0878544, MONDO:0004994, HP:0001638. Inheritance: Various modes of inheritance.

Allele frequency attached by ClinVar (database versions not stated): gnomAD exomes below 0.00001; gnomAD 0.00001; TOPMed 0.00001.
gnomAD v4.1: 2 of 1,614,096 alleles (0.00012%); highest among the groups gnomAD compares: African/African-American, 0.0027%; no homozygotes.

Submissions (3):

Labcorp Genetics (formerly Invitae), Labcorp
Classification: Likely benign for Arrhythmogenic cardiomyopathy with wooly hair and keratoderma; Arrhythmogenic right ventricular dysplasia 8. Last evaluated: 2025-11-22. Review status: criteria provided, single submitter. Criteria: Invitae Variant Classification Sherloc (09022015). Collection method: clinical testing. Allele origin: germline.

Women's Health and Genetics/Laboratory Corporation of America, LabCorp
Classification: Uncertain significance. Last evaluated: 2025-02-13. Review status: criteria provided, single submitter. Criteria: LabCorp Variant Classification Summary - May 2015. Collection method: clinical testing. Allele origin: germline.

Color Diagnostics, LLC DBA Color Health
Classification: Uncertain significance for Cardiomyopathy. Last evaluated: 2023-12-05. Review status: criteria provided, single submitter. Criteria: ACMG Guidelines, 2015. Collection method: clinical testing. Allele origin: germline.
Comment: This missense variant replaces glutamine with arginine at codon 1227 of the DSP protein. Computational prediction suggests that this variant may not impact protein structure and function (internally defined REVEL score threshold <= 0.5, PMID: 27666373). To our knowledge, functional studies have not been reported for this variant. This variant has not been reported in individuals affected with DSP-related disorders in the literature. This variant has been identified in 1/31404 chromosomes in the general population by the Genome Aggregation Database (gnomAD). The available evidence is insufficient to determine the role of this variant in disease conclusively. Therefore, this variant is classified as a Variant of Uncertain Significance.

NM_004415.4(DSP):c.3680A>G (p.Gln1227Arg)

Gene: DSP (desmoplakin; plus strand). Cytogenetic location: 6p24.3.
Variant type: single nucleotide variant.
Coding change: c.3680A>G on transcript NM_004415.4 (MANE Select); coding-DNA position 3680, A replaced by G.
Protein change: p.Gln1227Arg; replaces glutamine 1227 with arginine.
Molecular consequence: missense variant. On other transcripts: intron variant (1).
Genome position (GRCh38, 1-based): chr6:7,579,870, A>G. VCF-style: chr6-7579870-A-G. GRCh37 (hg19) VCF-style: chr6-7580103-A-G.
Other names: c.3680A>G (LRG_423t1); c.3680A>G, p.Gln1227Arg (NM_001319034.2); c.3582+98A>G (NM_001008844.3); short protein forms Q1227R.
Identifiers: ClinVar variation 577864 (VCV000577864.7), dbSNP rs1458557680, ClinGen allele CA362684616.